The following is an entry in ClinVar:

NM_000891.3(KCNJ2):c.499G>A (p.Val167Met)

Gene: KCNJ2 (potassium inwardly rectifying channel subfamily J member 2; plus strand). Cytogenetic location: 17q24.3.
Variant type: single nucleotide variant.
Coding change: c.499G>A on transcript NM_000891.3 (MANE Select); coding-DNA position 499, G replaced by A.
Protein change: p.Val167Met; replaces valine 167 with methionine.
Molecular consequence: missense variant.
Genome position (GRCh38, 1-based): chr17:70,175,538, G>A. VCF-style: chr17-70175538-G-A. GRCh37 (hg19) VCF-style: chr17-68171679-G-A.
Other names: short protein forms V167M.
Identifiers: ClinVar variation 1507131 (VCV001507131.11), dbSNP rs140147979, ClinGen allele CA8738736.

ClinVar aggregate classification (germline): Uncertain significance. Review status: criteria provided, multiple submitters, no conflicts (2 of 4 stars). 2 submissions from 2 submitters: Uncertain significance (2). Last evaluated 2025-06-23.

Conditions:
Andersen Tawil syndrome (LQT7). Also called: Potassium-sensitive periodic paralysis, ventricular ectopy, and dysmorphic features; ANDERSEN CARDIODYSRHYTHMIC PERIODIC PARALYSIS; PERIODIC PARALYSIS, POTASSIUM-SENSITIVE CARDIODYSRHYTHMIC TYPE; Andersen Syndrome; LONG QT SYNDROME 7. Identifiers: Orphanet 37553, MedGen C1563715, MONDO:0008222, OMIM 170390.
Short QT syndrome type 3. Identifiers: Orphanet 51083, MedGen C1865018, MONDO:0012314, OMIM 609622.
Cardiovascular phenotype. Identifiers: MedGen CN230736.

Allele frequency attached by ClinVar (database versions not stated): gnomAD 0.00001; gnomAD exomes 0.00001; TOPMed 0.00001; ExAC 0.00002; ESP Exome Variant Server 0.00008.
gnomAD v4.1: 9 of 1,614,052 alleles (0.00056%); highest among the groups gnomAD compares: East Asian, 0.0022%; no homozygotes.

Submissions (2):

Labcorp Genetics (formerly Invitae), Labcorp
Classification: Uncertain significance for Short QT syndrome type 3; Andersen Tawil syndrome. Last evaluated: 2025-06-23. Review status: criteria provided, single submitter. Criteria: Invitae Variant Classification Sherloc (09022015). Collection method: clinical testing. Allele origin: germline.
Comment: This sequence change replaces valine, which is neutral and non-polar, with methionine, which is neutral and non-polar, at codon 167 of the KCNJ2 protein (p.Val167Met). This variant is present in population databases (rs140147979, gnomAD 0.004%). This variant has not been reported in the literature in individuals affected with KCNJ2-related conditions. ClinVar contains an entry for this variant (Variation ID: 1507131). Invitae Evidence Modeling of protein sequence and biophysical properties (such as structural, functional, and spatial information, amino acid conservation, physicochemical variation, residue mobility, and thermodynamic stability) indicates that this missense variant is not expected to disrupt KCNJ2 protein function with a negative predictive value of 95%. In summary, the available evidence is currently insufficient to determine the role of this variant in disease. Therefore, it has been classified as a Variant of Uncertain Significance.

Ambry Genetics
Classification: Uncertain significance for Cardiovascular phenotype. Last evaluated: 2025-04-17. Review status: criteria provided, single submitter. Criteria: Ambry Variant Classification Scheme 2023. Collection method: clinical testing. Allele origin: germline.
Comment: The p.V167M variant (also known as c.499G>A), located in coding exon 1 of the KCNJ2 gene, results from a G to A substitution at nucleotide position 499. The valine at codon 167 is replaced by methionine, an amino acid with highly similar properties. This amino acid position is highly conserved in available vertebrate species. In addition, this alteration is predicted to be deleterious by in silico analysis. Since supporting evidence is limited at this time, the clinical significance of this alteration remains unclear.